The following is an entry in ClinVar:

NM_021625.5(TRPV4):c.1178A>T (p.Glu393Val)

Gene: TRPV4 (transient receptor potential cation channel subfamily V member 4; minus strand). Cytogenetic location: 12q24.11.
Variant type: single nucleotide variant.
Coding change: c.1178A>T on transcript NM_021625.5 (MANE Select); coding-DNA position 1178, A replaced by T.
Protein change: p.Glu393Val; replaces glutamic acid 393 with valine.
Molecular consequence: missense variant. On other transcripts: intron variant (2).
Genome position (GRCh38, 1-based): chr12:109,796,679, T>A on the plus strand (A>T on the coding strand, the complement: TRPV4 is on the minus strand). VCF-style: chr12-109796679-T-A. GRCh37 (hg19) VCF-style: chr12-110234484-T-A.
Other names: c.1037A>T, p.Glu346Val (NM_001177428.2); c.1076A>T, p.Glu359Val (NM_001177431.2); c.1011+1935A>T (NM_001177433.1); c.1152+1935A>T (NM_147204.2); short protein forms E346V, E359V, E393V.
Identifiers: ClinVar variation 931140 (VCV000931140.3), dbSNP rs1890421296, ClinGen allele CA386653926.

ClinVar aggregate classification (germline): Uncertain significance (1 of 4 stars; one submission).

Conditions:
Charcot-Marie-Tooth disease axonal type 2C (HMSN2C). Also called: Charcot-Marie-Tooth Disease Type 2, TRPV4-Related (CMT2C); CHARCOT-MARIE-TOOTH DISEASE, AXONAL, AUTOSOMAL DOMINANT, TYPE 2C; Charcot-Marie-Tooth Neuropathy Type 2C. Identifiers: Orphanet 99937, MedGen C1853710, MONDO:0011633, OMIM 606071.

Submission:

Centre for Mendelian Genomics, University Medical Centre Ljubljana
Classification: Uncertain significance for Charcot-Marie-Tooth disease axonal type 2C. Last evaluated: 2019-07-01. Review status: criteria provided, single submitter. Criteria: ACMG Guidelines, 2015. Collection method: clinical testing. Allele origin: unknown. Affected: yes.
Comment: This variant was classified as: Uncertain significance. The available evidence on this variant's pathogenicity is insufficient or conflicting. The following ACMG criteria were applied in classifying this variant: PM2,PP3,BS2.